The following is an entry in ClinVar:

ClinVar aggregate classification (germline): Pathogenic (1 of 4 stars; one submission).

Submission:

Labcorp Genetics (formerly Invitae), Labcorp
Classification: Pathogenic. Last evaluated: 2022-08-20. Review status: criteria provided, single submitter. Criteria: Invitae Variant Classification Sherloc (09022015). Collection method: clinical testing. Allele origin: unknown.
Comment: For these reasons, this variant has been classified as Pathogenic. This variant has not been reported in the literature in individuals affected with ERCC8-related conditions. This variant is a gross deletion of the genomic region encompassing exon(s) 1-3 of the ERCC8 gene, which includes the initiator codon. This deletion extends beyond the assayed region for this gene and therefore may encompass additional genes. It is expected to result in an absent or disrupted protein product. Loss-of-function variants in ERCC8 are known to be pathogenic (PMID: 29572252).

Literature cited by the submitters: PubMed 29572252.

NC_000005.9:g.(?_60217861)_(60394879_?)del

Genes: ERCC8 (ERCC excision repair 8, CSA ubiquitin ligase complex subunit; minus strand), NDUFAF2 (NADH:ubiquinone oxidoreductase complex assembly factor 2; plus strand). Cytogenetic location: 5q12.1.
Variant type: Deletion.
Identifiers: ClinVar variation 3246432 (VCV003246432.1).